The following is an entry in ClinVar:

ClinVar aggregate classification (germline): Benign/Likely benign. Review status: criteria provided, multiple submitters, no conflicts (2 of 4 stars). 6 submissions from 6 submitters: Benign (2); Likely benign (4). Last evaluated 2026-01-28.

Conditions:
Intellectual disability, autosomal recessive 53 (NEDHSCA). Also called: GLYCOSYLPHOSPHATIDYLINOSITOL BIOSYNTHESIS DEFECT 13; Mental retardation, autosomal recessive 53; NEURODEVELOPMENTAL DISORDER WITH OR WITHOUT HYPOTONIA, SEIZURES, AND CEREBELLAR ATROPHY. Identifiers: Orphanet 488635, MedGen C4310794, MONDO:0014832, OMIM 616917.
PIGG-related disorder. Also called: PIGG-related condition.

Allele frequency attached by ClinVar (database versions not stated): gnomAD 0.00322; ESP Exome Variant Server 0.00323; TOPMed 0.00364; 1000 Genomes Project 0.00379; 1000 Genomes Project 30x 0.00437.
gnomAD v4.1: 843 of 1,613,918 alleles (0.052%); highest among the groups gnomAD compares: African/African-American, 0.94%; 5 homozygotes.

Submissions (6):

Labcorp Genetics (formerly Invitae), Labcorp
Classification: Benign for Intellectual disability, autosomal recessive 53. Last evaluated: 2026-01-28. Review status: criteria provided, single submitter. Criteria: Invitae Variant Classification Sherloc (09022015). Collection method: clinical testing. Allele origin: germline.

PreventionGenetics, part of Exact Sciences
Classification: Likely benign for PIGG-related condition. Last evaluated: 2026-01-22. Review status: criteria provided, single submitter. Criteria: ACMG Guidelines, 2015. Collection method: clinical testing. Allele origin: germline.
Comment: This variant is classified as likely benign based on ACMG/AMP sequence variant interpretation guidelines (Richards et al. 2015 PMID: 25741868, with internal and published modifications).

Blueprint Genetics
Classification: Likely benign. Last evaluated: 2024-08-30. Review status: criteria provided, single submitter. Criteria: ACMG Guidelines, 2015. Collection method: clinical testing. Allele origin: germline.

Mayo Clinic Laboratories, Mayo Clinic
Classification: Benign. Last evaluated: 2023-10-11. Review status: criteria provided, single submitter. Criteria: ACMG Guidelines, 2015. Collection method: clinical testing. Allele origin: germline. Observed: 3 variant alleles.
Comment: BS1, BS2, BP4, BP7

CeGaT Center for Human Genetics Tuebingen
Classification: Likely benign. Last evaluated: 2022-11-01. Review status: criteria provided, single submitter. Criteria: CeGaT Center For Human Genetics Tuebingen Variant Classification Criteria Version 2. Collection method: clinical testing. Allele origin: germline. Affected: yes. Observed: 1 variant allele.
Comment: PIGG: BP4, BP7, BS2

GeneDx
Classification: Likely benign. Last evaluated: 2021-05-21. Review status: criteria provided, single submitter. Criteria: GeneDx Variant Classification Process June 2021. Collection method: clinical testing. Allele origin: germline. Affected: yes.

NM_001127178.3(PIGG):c.771G>A (p.Thr257=)

Gene: PIGG (phosphatidylinositol glycan anchor biosynthesis class G (EMM blood group); plus strand). Cytogenetic location: 4p16.3.
Variant type: single nucleotide variant.
Coding change: c.771G>A on transcript NM_001127178.3 (MANE Select); coding-DNA position 771, G replaced by A.
Protein change: p.Thr257=; no amino-acid change (threonine 257 retained).
Molecular consequence: synonymous variant. On other transcripts: 5 prime UTR variant (3), non-coding transcript variant (10), intron variant (1).
Genome position (GRCh38, 1-based): chr4:508,840, G>A. VCF-style: chr4-508840-G-A. GRCh37 (hg19) VCF-style: chr4-502629-G-A.
Other names: p.Thr257=; c.504G>A, p.Thr168= (NM_001289051.2, NM_001289053.2, NM_001289057.2 and 2 more transcripts); c.372G>A, p.Thr124= (NM_001289052.2); c.405G>A, p.Thr135= (NM_001289055.2); c.771G>A, p.Thr257= (NM_001345989.2, NM_017733.5); c.-855G>A (NM_001345990.2); c.-717G>A (NM_001345991.2); c.-442G>A (NM_001345994.2); and 1 more.
Identifiers: ClinVar variation 542902 (VCV000542902.40), dbSNP rs35496504, ClinGen allele CA2793107.